The following is an entry in ClinVar:

ClinVar aggregate classification (germline): Uncertain significance. Review status: criteria provided, multiple submitters, no conflicts (2 of 4 stars). 3 submissions from 3 submitters: Uncertain significance (3). Last evaluated 2025-10-29.

Conditions:
Upshaw-Schulman syndrome (TTP). Also called: THROMBOTIC THROMBOCYTOPENIC PURPURA, HEREDITARY; Congenital thrombotic thrombocytopenic purpura. Identifiers: Orphanet 93583, MedGen C1268935, MONDO:0010122, OMIM 274150.
Inborn genetic diseases. Identifiers: MedGen C0950123, MeSH D030342.

Allele frequency attached by ClinVar (database versions not stated): gnomAD 0.00001; TOPMed 0.00001; gnomAD exomes 0.00003; ExAC 0.00005.
gnomAD v4.1: 51 of 1,608,374 alleles (0.0032%); highest among the groups gnomAD compares: South Asian, 0.051%; no homozygotes.

Submissions (3):

Labcorp Genetics (formerly Invitae), Labcorp
Classification: Uncertain significance. Last evaluated: 2025-10-29. Review status: criteria provided, single submitter. Criteria: Invitae Variant Classification Sherloc (09022015). Collection method: clinical testing. Allele origin: germline.
Comment: This sequence change replaces arginine, which is basic and polar, with tryptophan, which is neutral and slightly polar, at codon 1176 of the ADAMTS13 protein (p.Arg1176Trp). This variant is present in population databases (rs782300864, gnomAD 0.03%). This variant has not been reported in the literature in individuals affected with ADAMTS13-related conditions. ClinVar contains an entry for this variant (Variation ID: 2176971). An algorithm developed to predict the effect of missense changes on protein structure and function outputs the following: PolyPhen-2: "Benign". The tryptophan amino acid residue is found in multiple mammalian species, which suggests that this missense change does not adversely affect protein function. In summary, the available evidence is currently insufficient to determine the role of this variant in disease. Therefore, it has been classified as a Variant of Uncertain Significance.

Ambry Genetics
Classification: Uncertain significance for Inborn genetic diseases. Last evaluated: 2024-09-26. Review status: criteria provided, single submitter. Criteria: Ambry Variant Classification Scheme 2023. Collection method: clinical testing. Allele origin: germline.

Fulgent Genetics
Classification: Uncertain significance for Upshaw-Schulman syndrome. Last evaluated: 2024-03-18. Review status: criteria provided, single submitter. Criteria: ACMG Guidelines, 2015. Collection method: clinical testing. Allele origin: germline.

NM_139027.6(ADAMTS13):c.3400+126C>T

Gene: ADAMTS13 (ADAM metallopeptidase with thrombospondin type 1 motif 13; plus strand). Cytogenetic location: 9q34.2.
Variant type: single nucleotide variant.
Coding change: c.3400+126C>T on transcript NM_139027.6 (MANE Select); 126 bases into the intron after coding-DNA position 3400, C replaced by T.
Molecular consequence: intron variant. On other transcripts: missense variant (1).
Genome position (GRCh38, 1-based): chr9:133,455,561, C>T. VCF-style: chr9-133455561-C-T. GRCh37 (hg19) VCF-style: chr9-136320683-C-T.
Other names: c.3526C>T, p.Arg1176Trp (NM_139025.5); c.3307+126C>T (NM_139026.6); c.3526C>T (NM_139025.3); short protein forms R1176W.
Identifiers: ClinVar variation 2176971 (VCV002176971.6), dbSNP rs782300864, ClinGen allele CA200944265.